The following is an entry in ClinVar:

NM_000016.6(ACADM):c.238A>G (p.Arg80Gly)

Gene: ACADM (acyl-CoA dehydrogenase medium chain; plus strand). Cytogenetic location: 1p31.1.
Variant type: single nucleotide variant.
Coding change: c.238A>G on transcript NM_000016.6 (MANE Select); coding-DNA position 238, A replaced by G.
Protein change: p.Arg80Gly; replaces arginine 80 with glycine.
Molecular consequence: missense variant. On other transcripts: 5 prime UTR variant (1).
Genome position (GRCh38, 1-based): chr1:75,732,874, A>G. VCF-style: chr1-75732874-A-G. GRCh37 (hg19) VCF-style: chr1-76198559-A-G.
Other names: c.238A>G (NM_000016.5); c.250A>G, p.Arg84Gly (NM_001127328.3); c.130A>G, p.Arg44Gly (NM_001286042.2); c.238A>G, p.Arg80Gly (NM_001286043.2); c.-148A>G (NM_001286044.2); short protein forms R80G, R84G, R44G.
Identifiers: ClinVar variation 226108 (VCV000226108.22), dbSNP rs758476299, ClinGen allele CA913005.

ClinVar aggregate classification (germline): Pathogenic/Likely pathogenic. Review status: criteria provided, multiple submitters, no conflicts (2 of 4 stars). 6 submissions from 6 submitters: Pathogenic (2); Likely pathogenic (3). 1 of the submissions does not count toward it. Last evaluated 2025-11-12.

Conditions:
ACADM-related disorder. Also called: ACADM-related condition.
Medium-chain acyl-coenzyme A dehydrogenase deficiency (ACADMD). Also called: MCADD; Medium chain acyl-CoA dehydrogenase deficiency; ACADM DEFICIENCY; CARNITINE DEFICIENCY SECONDARY TO MEDIUM-CHAIN ACYL-CoA DEHYDROGENASE DEFICIENCY; MCADH DEFICIENCY; MCAD Deficiency. Identifiers: Orphanet 42, MedGen C0220710, MONDO:0008721, OMIM 201450.

Allele frequency attached by ClinVar (database versions not stated): TOPMed below 0.00001; ExAC 0.00001; gnomAD exomes 0.00001; gnomAD 0.00002.

Submissions (6):

PreventionGenetics, part of Exact Sciences
Classification: Likely pathogenic for ACADM-related condition. Last evaluated: 2025-11-12. Review status: criteria provided, single submitter. Criteria: ACMG Guidelines, 2015. Collection method: clinical testing. Allele origin: germline.
Comment: The ACADM c.238A>G variant is predicted to result in the amino acid substitution p.Arg80Gly. This variant has been reported with a pathogenic ACADM variant in multiple individuals with positive newborn screening for medium-chain acyl-CoA dehydrogenase deficiency (Touw et al. 2012. PubMed ID: 22630369; Table S1, Jager et al. 2019. PubMed ID: 31012112). Patient derived lymphocytes showed an ACADM enzyme activity of 36% (Touw et al. 2012. PubMed ID: 22630369). This variant is reported in 0.0023% of alleles in individuals of European (non-Finnish) descent in gnomAD. An in vitro experimental study suggests this variant affects octanoyl-CoA binding reducing enzyme efficiency (variant referred to as p.Arg55Gly, Madeira et al. 2023. PubMed ID: 37257730). This variant is interpreted as likely pathogenic.

Natera, Inc.
Classification: Likely pathogenic for Medium Chain Acyl-CoA Dehydrogenase Deficiency. Last evaluated: 2025-10-21. Review status: criteria provided, single submitter. Criteria: Natera Variant Classification Schema (03/2026). Collection method: clinical testing. Allele origin: germline.
Comment: The c.238A>G variant in ACADM is a missense variant predicted to cause substitution of arginine to glycine at amino acid 80. This variant is rare in the general population with a frequency below the threshold expected for the associated phenotype(s). This variant has been observed in one or more individuals affected with the associated recessive disease, as either homozygous or compound heterozygous with a second variant (PMID: 22630369). This variant has been identified in one or more affected individual with a phenotype highly consistent with the associated gene (PMID: 22630369). Computational prediction algorithms indicate this variant is likely to affect gene or protein function. Given the available evidence, this variant is classified as Likely Pathogenic.

Women's Health and Genetics/Laboratory Corporation of America, LabCorp
Classification: Pathogenic for Medium-chain acyl-coenzyme A dehydrogenase deficiency. Last evaluated: 2025-05-29. Review status: criteria provided, single submitter. Criteria: LabCorp Variant Classification Summary - May 2015. Collection method: clinical testing. Allele origin: germline.
Comment: Variant summary: ACADM c.238A>G (p.Arg80Gly) results in a non-conservative amino acid change in the encoded protein sequence. Algorithms developed to predict the effect of missense changes on protein structure and function all suggest that this variant is likely to be disruptive. The variant allele was found at a frequency of 8e-06 in 251106 control chromosomes. c.238A>G has been observed in the compound heterozygous state in multiple individuals affected with Medium Chain Acyl-CoA Dehydrogenase Deficiency (Jager_2019). These data indicate that the variant is very likely to be associated with disease. At least one publication reports experimental evidence evaluating an impact on protein function. The most pronounced variant effect results in reduced catalytic efficiency (Madeira_2023). This variant is also known as p.R55G. The following publications have been ascertained in the context of this evaluation (PMID: 31012112, 37257730). ClinVar contains an entry for this variant (Variation ID: 226108). Based on the evidence outlined above, the variant was classified as pathogenic.

Revvity Omics, Revvity
Classification: Likely pathogenic for Medium-chain acyl-coenzyme A dehydrogenase deficiency. Last evaluated: 2024-12-27. Review status: criteria provided, single submitter. Criteria: ACMG Guidelines, 2015. Collection method: clinical testing. Allele origin: germline.

Labcorp Genetics (formerly Invitae), Labcorp
Classification: Pathogenic for Medium-chain acyl-coenzyme A dehydrogenase deficiency. Last evaluated: 2023-12-09. Review status: criteria provided, single submitter. Criteria: Invitae Variant Classification Sherloc (09022015). Collection method: clinical testing. Allele origin: germline.
Comment: This sequence change replaces arginine, which is basic and polar, with glycine, which is neutral and non-polar, at codon 80 of the ACADM protein (p.Arg80Gly). This variant is present in population databases (rs758476299, gnomAD 0.002%). This missense change has been observed in individual(s) with medium-chain acyl-coenzyme A dehydrogenase deficiency (PMID: 31012112). ClinVar contains an entry for this variant (Variation ID: 226108). Advanced modeling of protein sequence and biophysical properties (such as structural, functional, and spatial information, amino acid conservation, physicochemical variation, residue mobility, and thermodynamic stability) performed at Invitae indicates that this missense variant is not expected to disrupt ACADM protein function with a negative predictive value of 80%. For these reasons, this variant has been classified as Pathogenic.

ARUP Laboratories, Molecular Genetics and Genomics, ARUP Laboratories
Classification: Uncertain significance for Medium-chain acyl-coenzyme A dehydrogenase deficiency. Last evaluated: 2015-02-20. Review status: flagged submission. Criteria: ACMG Guidelines, 2015. Collection method: clinical testing. Allele origin: germline. Inheritance: Autosomal recessive inheritance. Observed: 1 heterozygote. Not counted in ClinVar's aggregate classification.
ClinVar note: Reason: Older and outlier claim with insufficient supporting evidence

Literature cited by the submitters: PubMed 22630369 (cited by Natera, Inc.); PubMed 31012112 (cited by Women's Health and Genetics/Laboratory Corporation of America, LabCorp and Labcorp Genetics (formerly Invitae), Labcorp); PubMed 37257730 (cited by Women's Health and Genetics/Laboratory Corporation of America, LabCorp).